The following is an entry in ClinVar:

NM_001429.4(EP300):c.2285G>A (p.Gly762Asp)

Gene: EP300 (EP300 lysine acetyltransferase; plus strand). Cytogenetic location: 22q13.2.
Variant type: single nucleotide variant.
Coding change: c.2285G>A on transcript NM_001429.4 (MANE Select); coding-DNA position 2285, G replaced by A.
Protein change: p.Gly762Asp; replaces glycine 762 with aspartic acid.
Molecular consequence: missense variant.
Genome position (GRCh38, 1-based): chr22:41,149,081, G>A. VCF-style: chr22-41149081-G-A. GRCh37 (hg19) VCF-style: chr22-41545085-G-A.
Other names: c.2207G>A, p.Gly736Asp (NM_001362843.2); c.2285G>A (NM_001429.3); short protein forms G736D, G762D.
Identifiers: ClinVar variation 2899711 (VCV002899711.6), dbSNP rs745785745, ClinGen allele CA10252827.

ClinVar aggregate classification (germline): Likely benign. Review status: criteria provided, multiple submitters, no conflicts (2 of 4 stars). 3 submissions from 3 submitters: Likely benign (3). Last evaluated 2024-11-20.

Conditions:
Rubinstein-Taybi syndrome due to EP300 haploinsufficiency. Also called: EP300-Related Rubinstein-Taybi Syndrome; RUBINSTEIN-TAYBI SYNDROME 2. Identifiers: Orphanet 353284, Orphanet 783, MedGen C3150941, MONDO:0013364, OMIM 613684.
EP300-related disorder. Also called: EP300-related disorders; EP300-related condition.
Inborn genetic diseases. Identifiers: MedGen C0950123, MeSH D030342.

Allele frequency attached by ClinVar (database versions not stated): gnomAD exomes below 0.00001; ExAC 0.00001; gnomAD 0.00001.

Submissions (3):

PreventionGenetics, part of Exact Sciences
Classification: Likely benign for EP300-related condition. Last evaluated: 2024-11-20. Review status: criteria provided, single submitter. Criteria: ACMG Guidelines, 2015. Collection method: clinical testing. Allele origin: germline.
Comment: This variant is classified as likely benign based on ACMG/AMP sequence variant interpretation guidelines (Richards et al. 2015 PMID: 25741868, with internal and published modifications).

Ambry Genetics
Classification: Likely benign for Inborn genetic diseases. Last evaluated: 2024-06-17. Review status: criteria provided, single submitter. Criteria: Ambry Variant Classification Scheme 2023. Collection method: clinical testing. Allele origin: germline.

Labcorp Genetics (formerly Invitae), Labcorp
Classification: Likely benign for Rubinstein-Taybi syndrome due to EP300 haploinsufficiency. Last evaluated: 2023-11-13. Review status: criteria provided, single submitter. Criteria: Invitae Variant Classification Sherloc (09022015). Collection method: clinical testing. Allele origin: germline.